The following is an entry in ClinVar:

ClinVar aggregate classification (germline): Uncertain significance (1 of 4 stars; one submission).

Conditions:
Inborn genetic diseases. Identifiers: MedGen C0950123, MeSH D030342.

gnomAD v4.1: 1 of 1,610,394 alleles (0.000062%); highest among the groups gnomAD compares: Non-Finnish European, 0.000085%; no homozygotes.

Submission:

Ambry Genetics
Classification: Uncertain significance for Inborn genetic diseases. Last evaluated: 2025-05-31. Review status: criteria provided, single submitter. Criteria: Ambry Variant Classification Scheme 2023. Collection method: clinical testing. Allele origin: germline.
Comment: The p.V1777L variant (also known as c.5329G>C), located in coding exon 20 of the FANCM gene, results from a G to C substitution at nucleotide position 5329. The valine at codon 1777 is replaced by leucine, an amino acid with highly similar properties. This amino acid position is conserved. In addition, this alteration is predicted to be tolerated by in silico analysis. Based on the available evidence, the clinical significance of this variant remains unclear.

NM_020937.4(FANCM):c.5329G>C (p.Val1777Leu)

Gene: FANCM (FA complementation group M; plus strand). Cytogenetic location: 14q21.2.
Variant type: single nucleotide variant.
Coding change: c.5329G>C on transcript NM_020937.4 (MANE Select); coding-DNA position 5329, G replaced by C.
Protein change: p.Val1777Leu; replaces valine 1777 with leucine.
Molecular consequence: missense variant.
Genome position (GRCh38, 1-based): chr14:45,189,351, G>C. VCF-style: chr14-45189351-G-C. GRCh37 (hg19) VCF-style: chr14-45658554-G-C.
Other names: c.5251G>C, p.Val1751Leu (NM_001308133.2); short protein forms V1751L, V1777L.
Identifiers: ClinVar variation 4022838 (VCV004022838.1).